The following is an entry in ClinVar:

ClinVar aggregate classification (germline): Pathogenic (1 of 4 stars; one submission).

Conditions:
Developmental and epileptic encephalopathy, 5 (DEE5). Identifiers: Orphanet 3451, MedGen C3150731, MONDO:0013277, OMIM 613477.

Submission:

Institute of Human Genetics, University of Leipzig Medical Center
Classification: Pathogenic for Developmental and epileptic encephalopathy, 5. Last evaluated: 2022-11-22. Review status: criteria provided, single submitter. Criteria: ACMG Guidelines, 2015. Collection method: clinical testing. Allele origin: de novo. Affected: yes.
Comment: Historical Nomenclature: c.6923_6928dup, p.(Arg2308_Met2309dup), which is outdated because of the latest HGVS recommendation to shift ambiguous duplications to the 3' end. HGMD: CI103336, ClinVar: 207370. This variant was identified as de novo (maternity and paternity confirmed)._x000D_ Criteria applied: PS2_VSTR, PS4_MOD, PM4, PM2_SUP

NM_001130438.3(SPTAN1):c.6924_6929dup (p.Met2309_Gln2310insHisMet)

Gene: SPTAN1 (spectrin alpha, non-erythrocytic 1; plus strand). Cytogenetic location: 9q34.11.
Variant type: Duplication.
Coding change: c.6924_6929dup on transcript NM_001130438.3 (MANE Select); coding-DNA positions 6924 to 6929, 6 bases duplicated (CATGCA; older notation c.6924_6929dupCATGCA).
Protein change: p.Met2309_Gln2310insHisMet.
Molecular consequence: inframe insertion.
Genome position (GRCh38, 1-based): chr9:128,632,288-128,632,293, CATGCA duplicated. VCF-style (leftmost placement, unchanged base first): chr9-128632287-G-GCATGCA. GRCh37 (hg19) VCF-style: chr9-131394566-G-GCATGCA.
Other names: c.6849_6854dup, p.Met2284_Gln2285insHisMet (NM_001195532.2); c.6987_6992dup, p.Met2330_Gln2331insHisMet (NM_001363759.2); c.6864_6869dup, p.Met2289_Gln2290insHisMet (NM_001363765.2, NM_001375314.2); c.7011_7016dup, p.Met2338_Gln2339insHisMet (NM_001375310.1); c.6924_6929dup, p.Met2309_Gln2310insHisMet (NM_001375311.2); c.6960_6965dup, p.Met2321_Gln2322insHisMet (NM_001375312.2); c.6906_6911dup, p.Met2303_Gln2304insHisMet (NM_001375313.1); c.7023_7028dup, p.Met2342_Gln2343insHisMet (NM_001375318.1); and 1 more.
Identifiers: ClinVar variation 1804130 (VCV001804130.1), dbSNP rs2542380737, ClinGen allele CA2580079753.